The following is an entry in ClinVar:

NC_000007.13:g.116166573-?_116436183+?dup

Genes: CAV1 (caveolin 1; plus strand), MET (MET proto-oncogene, receptor tyrosine kinase; plus strand). Cytogenetic location: 7q31.2.
Variant type: Duplication.
Identifiers: ClinVar variation 1002302 (VCV001002302.1).

ClinVar aggregate classification (germline): Uncertain significance (1 of 4 stars; one submission).

Conditions:
Renal cell carcinoma (RCCP1). Identifiers: Orphanet 217071, MedGen C0007134, MeSH D002292, MONDO:0005086, HP:0005584.

Submission:

Labcorp Genetics (formerly Invitae), Labcorp
Classification: Uncertain significance for Renal cell carcinoma. Last evaluated: 2016-04-01. Review status: criteria provided, single submitter. Criteria: Invitae Variant Classification Sherloc (09022015). Collection method: clinical testing. Allele origin: germline.
Comment: A gross duplication of the genomic region encompassing the full coding sequence of the MET gene has been identified. The boundaries of this event are unknown as the duplication extends beyond the assayed region for this gene and therefore may encompass additional genes. As the precise location of this duplication is unknown, it may be in tandem or it may be located elsewhere in the genome. Gross duplications of MET have not been reported in the literature in individuals with a MET-related disease. In summary, because the exact boundaries of this variant have not been determined, and whether this duplication occurs in tandem is not known, its impact on MET protein function cannot be unequivocally established. Therefore, it has been classified as a Variant of Uncertain Significance.